The following is an entry in ClinVar:

ClinVar aggregate classification (germline): Uncertain significance (1 of 4 stars; one submission).

gnomAD v4.1: 2 of 1,614,024 alleles (0.00012%); highest among the groups gnomAD compares: Non-Finnish European, 0.000085%; no homozygotes.

Submission:

GeneDx
Classification: Uncertain significance. Last evaluated: 2024-12-03. Review status: criteria provided, single submitter. Criteria: GeneDx Variant Classification Process June 2021. Collection method: clinical testing. Allele origin: germline. Affected: yes.
Comment: Not observed at significant frequency in large population cohorts (gnomAD); In silico analysis supports that this missense variant has a deleterious effect on protein structure/function; Has not been previously published as pathogenic or benign to our knowledge

NM_015215.4(CAMTA1):c.4997G>T (p.Arg1666Ile)

Gene: CAMTA1 (calmodulin binding transcription activator 1; plus strand). Cytogenetic location: 1p36.23.
Variant type: single nucleotide variant.
Coding change: c.4997G>T on transcript NM_015215.4 (MANE Select); coding-DNA position 4997, G replaced by T.
Protein change: p.Arg1666Ile; replaces arginine 1666 with isoleucine.
Molecular consequence: missense variant. On other transcripts: nonsense (10).
Genome position (GRCh38, 1-based): chr1:7,766,466, G>T. VCF-style: chr1-7766466-G-T. GRCh37 (hg19) VCF-style: chr1-7826526-G-T.
Other names: c.4907G>T, p.Arg1636Ile (NM_001349608.2); c.4648G>T, p.Glu1550Ter (NM_001349609.2); c.4673G>T, p.Arg1558Ile (NM_001349610.2); c.4589G>T, p.Arg1530Ile (NM_001349612.2); c.2095G>T, p.Glu699Ter (NM_001349613.1); c.2059G>T, p.Glu687Ter (NM_001349614.1, NM_001349615.2); c.2090G>T, p.Arg697Ile (NM_001349616.2); c.2069G>T, p.Arg690Ile (NM_001349617.1, NM_001349618.2); and 6 more; short protein forms E1519*, E1543*, E1550*, E567*, E574*, E687*, E699*, R1530I.
Identifiers: ClinVar variation 3901760 (VCV003901760.1).